The following is an entry in ClinVar:

NM_002519.3(NPAT):c.2167A>C (p.Lys723Gln)

Gene: NPAT (nuclear protein, coactivator of histone transcription; minus strand). Cytogenetic location: 11q22.3.
Variant type: single nucleotide variant.
Coding change: c.2167A>C on transcript NM_002519.3 (MANE Select); coding-DNA position 2167, A replaced by C.
Protein change: p.Lys723Gln; replaces lysine 723 with glutamine.
Molecular consequence: missense variant.
Genome position (GRCh38, 1-based): chr11:108,172,817, T>G on the plus strand (A>C on the coding strand, the complement: NPAT is on the minus strand). VCF-style: chr11-108172817-T-G. GRCh37 (hg19) VCF-style: chr11-108043544-T-G.
Other names: c.2167A>C, p.Lys723Gln (NM_001321307.1); short protein forms K723Q.
Identifiers: ClinVar variation 1786999 (VCV001786999.2), dbSNP rs2496718395, ClinGen allele CA382513546.

ClinVar aggregate classification (germline): Uncertain significance (1 of 4 stars; one submission).

gnomAD v4.1: 3 of 1,613,788 alleles (0.00019%); highest among the groups gnomAD compares: Non-Finnish European, 0.00017%; no homozygotes.

Submission:

Ambry Genetics
Classification: Uncertain significance. Last evaluated: 2022-10-01. Review status: criteria provided, single submitter. Criteria: Ambry Variant Classification Scheme 2023. Collection method: clinical testing. Allele origin: germline.
Comment: The p.K723Q variant (also known as c.2167A>C), located in coding exon 13 of the NPAT gene, results from an A to C substitution at nucleotide position 2167. The lysine at codon 723 is replaced by glutamine, an amino acid with similar properties. This amino acid position is conserved. In addition, this alteration is predicted to be tolerated by in silico analysis. Since supporting evidence is limited at this time, the clinical significance of this alteration remains unclear.